The following is an entry in ClinVar:

ClinVar aggregate classification (germline): Uncertain significance (1 of 4 stars; one submission).

Submission:

Labcorp Genetics (formerly Invitae), Labcorp
Classification: Uncertain significance. Last evaluated: 2024-12-05. Review status: criteria provided, single submitter. Criteria: Invitae Variant Classification Sherloc (09022015). Collection method: clinical testing. Allele origin: germline.
Comment: This variant, c.423_425dup, results in the insertion of 1 amino acid(s) of the ACBD5 protein (p.Val142dup), but otherwise preserves the integrity of the reading frame. This variant is not present in population databases (gnomAD no frequency). This variant has not been reported in the literature in individuals affected with ACBD5-related conditions. ClinVar contains an entry for this variant (Variation ID: 2110365). Experimental studies and prediction algorithms are not available or were not evaluated, and the functional significance of this variant is currently unknown. In summary, the available evidence is currently insufficient to determine the role of this variant in disease. Therefore, it has been classified as a Variant of Uncertain Significance.

NM_145698.5(ACBD5):c.423_425dup (p.Val142_Ile143insVal)

Gene: ACBD5 (acyl-CoA binding domain containing 5; minus strand). Cytogenetic location: 10p12.1.
Variant type: Duplication.
Coding change: c.423_425dup on transcript NM_145698.5 (MANE Select); coding-DNA positions 423 to 425, 3 bases duplicated (TGT; older notation c.423_425dupTGT).
Protein change: p.Val142_Ile143insVal.
Molecular consequence: inframe insertion.
Genome position (GRCh38, 1-based): chr10:27,223,403-27,223,405, ACA duplicated on the plus strand (TGT on the coding strand, the reverse complement: ACBD5 is on the minus strand). VCF-style (leftmost placement, unchanged base first): chr10-27223402-G-GACA. GRCh37 (hg19) VCF-style: chr10-27512331-G-GACA.
Other names: c.318_320dup, p.Val107_Ile108insVal (NM_001042473.4, NM_001352574.2, NM_001352575.2 and 6 more transcripts); c.417_419dup, p.Val140_Ile141insVal (NM_001271512.3, NM_001352571.1, NM_001352586.1 and 1 more transcripts); c.96_98dup, p.Val33_Ile34insVal (NM_001301251.2, NM_001301252.2, NM_001301253.2 and 4 more transcripts); c.444_446dup, p.Val149_Ile150insVal (NM_001352568.1, NM_001352572.1); c.423_425dup, p.Val142_Ile143insVal (NM_001352569.1, NM_001352570.1, NM_001352573.1 and 2 more transcripts).
Identifiers: ClinVar variation 2110365 (VCV002110365.4), dbSNP rs2540996879, ClinGen allele CA2580081678.
Genomic context (GRCh38, chr10:27,223,402, plus strand): 5'-GGTTATATCAGAACTCCTGCCACTCTTTTTGTCCTCGACAATTTCATAAAATGGACCTAT[G>GACA]ACACGCAGCAATTCTTCAACTTTCTCAGTCATTGGCATAGTTTCAATAATCTGTAATCAA-3'